The following is an entry in ClinVar:

NM_020937.4(FANCM):c.3989T>C (p.Leu1330Ser)

Gene: FANCM (FA complementation group M; plus strand). Cytogenetic location: 14q21.2.
Variant type: single nucleotide variant.
Coding change: c.3989T>C on transcript NM_020937.4 (MANE Select); coding-DNA position 3989, T replaced by C.
Protein change: p.Leu1330Ser; replaces leucine 1330 with serine.
Molecular consequence: missense variant.
Genome position (GRCh38, 1-based): chr14:45,176,743, T>C. VCF-style: chr14-45176743-T-C. GRCh37 (hg19) VCF-style: chr14-45645946-T-C.
Other names: c.3911T>C, p.Leu1304Ser (NM_001308133.2); short protein forms L1304S, L1330S.
Identifiers: ClinVar variation 2738949 (VCV002738949.3), dbSNP rs1672457604, ClinGen allele CA389603845.

ClinVar aggregate classification (germline): Uncertain significance (1 of 4 stars; one submission).

Conditions:
Fanconi anemia (FA). Also called: Fanconi's anemia. Identifiers: Orphanet 84, MedGen C0015625, MeSH D005199, MONDO:0019391.

Submission:

Labcorp Genetics (formerly Invitae), Labcorp
Classification: Uncertain significance for Fanconi anemia. Last evaluated: 2023-05-08. Review status: criteria provided, single submitter. Criteria: Invitae Variant Classification Sherloc (09022015). Collection method: clinical testing. Allele origin: germline.
Comment: In summary, the available evidence is currently insufficient to determine the role of this variant in disease. Therefore, it has been classified as a Variant of Uncertain Significance. Algorithms developed to predict the effect of missense changes on protein structure and function output the following: SIFT: "Not Available"; PolyPhen-2: "Benign"; Align-GVGD: "Not Available". The serine amino acid residue is found in multiple mammalian species, which suggests that this missense change does not adversely affect protein function. This variant has not been reported in the literature in individuals affected with FANCM-related conditions. This variant is not present in population databases (gnomAD no frequency). This sequence change replaces leucine, which is neutral and non-polar, with serine, which is neutral and polar, at codon 1330 of the FANCM protein (p.Leu1330Ser).